The following is an entry in ClinVar:

ClinVar aggregate classification (germline): Pathogenic (1 of 4 stars; one submission).

Submission:

Labcorp Genetics (formerly Invitae), Labcorp
Classification: Pathogenic. Last evaluated: 2023-12-10. Review status: criteria provided, single submitter. Criteria: Invitae Variant Classification Sherloc (09022015). Collection method: clinical testing. Allele origin: germline.
Comment: This sequence change creates a premature translational stop signal (p.Leu457*) in the SLC19A2 gene. While this is not anticipated to result in nonsense mediated decay, it is expected to disrupt the last 41 amino acid(s) of the SLC19A2 protein. This variant is present in population databases (rs761803462, gnomAD 0.01%). This premature translational stop signal has been observed in individual(s) with thiamine-responsive megaloblastic anemia (PMID: 23289844). In at least one individual the data is consistent with being in trans (on the opposite chromosome) from a pathogenic variant. It has also been observed to segregate with disease in related individuals. For these reasons, this variant has been classified as Pathogenic.

Literature cited by the submitters: PubMed 23289844.

NM_006996.3(SLC19A2):c.1370del (p.Phe456_Leu457insTer)

Gene: SLC19A2 (solute carrier family 19 member 2; minus strand). Cytogenetic location: 1q24.2.
Variant type: Deletion.
Coding change: c.1370del on transcript NM_006996.3 (MANE Select); coding-DNA position 1370, one base deleted (T; older notation c.1370delT).
Protein change: p.Phe456_Leu457insTer.
Molecular consequence: nonsense.
Genome position (GRCh38, 1-based): chr1:169,465,973, A deleted on the plus strand (T on the coding strand, the reverse complement: SLC19A2 is on the minus strand); the first of 5 consecutive A bases (chr1:169,465,973-169,465,977); deleting any one gives the same sequence. VCF-style (leftmost placement, unchanged base first): chr1-169465972-CA-C. GRCh37 (hg19) VCF-style: chr1-169435210-CA-C.
Other names: c.767del, p.Phe255_Leu256insTer (NM_001319667.1).
Identifiers: ClinVar variation 2734015 (VCV002734015.3), dbSNP rs761803462, ClinGen allele CA1232835.